The following is an entry in ClinVar:

NM_002693.3(POLG):c.3009G>C (p.Trp1003Cys)

Gene: POLG (DNA polymerase gamma, catalytic subunit; minus strand). Cytogenetic location: 15q26.1.
Variant type: single nucleotide variant.
Coding change: c.3009G>C on transcript NM_002693.3 (MANE Select); coding-DNA position 3009, G replaced by C.
Protein change: p.Trp1003Cys; replaces tryptophan 1003 with cysteine.
Molecular consequence: missense variant.
Genome position (GRCh38, 1-based): chr15:89,319,323, C>G on the plus strand (G>C on the coding strand, the complement: POLG is on the minus strand). VCF-style: chr15-89319323-C-G. GRCh37 (hg19) VCF-style: chr15-89862554-C-G.
Other names: c.3009G>C, p.Trp1003Cys (NM_001126131.2); short protein forms W1003C.
Identifiers: ClinVar variation 423485 (VCV000423485.10), dbSNP rs1064796455, ClinGen allele CA16620020.
Genomic context (GRCh38, chr15:89,319,323, plus strand): 5'-CTGCAGGGAAATCCAGCCACCCTCAGTCCTGTCCACTGGGAGGTTCAACTCCCTCACCAG[C>G]CACTCGCCCTCATCCGACAGCCGATACCTGGGGGCAGTGTTATCACCATCATTCCACGGG-3'
Protein context (NP_002684.1, residues 993-1013): RWYRLSDEGE[Trp1003Cys]LVRELNLPVD

ClinVar aggregate classification (germline): Uncertain significance. Review status: criteria provided, multiple submitters, no conflicts (2 of 4 stars). 2 submissions from 2 submitters: Uncertain significance (2). Last evaluated 2017-08-08.

Conditions:
Progressive sclerosing poliodystrophy (MTDPS4A). Also called: Mitochondrial DNA depletion syndrome 4A (Alpers type); Alpers Syndrome; ALPERS DIFFUSE DEGENERATION OF CEREBRAL GRAY MATTER WITH HEPATIC CIRRHOSIS; Mitochondrial DNA Depletion Syndrome 4A; Alpers-Huttenlocher Syndrome (AHS); ALPERS PROGRESSIVE INFANTILE POLIODYSTROPHY. Identifiers: Orphanet 726, MedGen C0205710, MONDO:0008758, OMIM 203700.

Submissions (2):

Labcorp Genetics (formerly Invitae), Labcorp
Classification: Uncertain significance for Progressive sclerosing poliodystrophy. Last evaluated: 2017-08-08. Review status: criteria provided, single submitter. Criteria: Invitae Variant Classification Sherloc (09022015). Collection method: clinical testing. Allele origin: germline.
Comment: In summary, the available evidence is currently insufficient to determine the role of this variant in disease. Therefore, it has been classified as a Variant of Uncertain Significance. Algorithms developed to predict the effect of missense changes on protein structure and function do not agree on the potential impact of this missense change (SIFT: "Deleterious"; PolyPhen-2: "Probably Damaging"; Align-GVGD: "Class C0"). This variant has not been reported in the literature in individuals with POLG-related disease. ClinVar contains an entry for this variant (Variation ID: 423485). This variant is not present in population databases (ExAC no frequency). This sequence change replaces tryptophan with cysteine at codon 1003 of the POLG protein (p.Trp1003Cys). The tryptophan residue is moderately conserved and there is a large physicochemical difference between tryptophan and cysteine.

GeneDx
Classification: Uncertain significance. Last evaluated: 2017-02-19. Review status: criteria provided, single submitter. Criteria: GeneDx Variant Classification (06012015). Collection method: clinical testing. Allele origin: germline. Affected: yes.
Comment: The W1003C variant in the POLG gene has not been reported previously as a pathogenic variant, nor as a benign variant, to our knowledge. The W1003C variant is not observed in large population cohorts (Lek et al., 2016; 1000 Genomes Consortium et al., 2015; Exome Variant Server). The W1003C variant is a non-conservative amino acid substitution, which is likely to impact secondary protein structure as these residues differ in polarity, charge, size and/or other properties. This substitution occurs at a position that is conserved across species. In silico analysis predicts this variant is probably damaging to the protein structure/function. We interpret W1003C as a variant of uncertain significance.